The following is an entry in ClinVar:

ClinVar aggregate classification (germline): Uncertain significance (1 of 4 stars; one submission).

Conditions:
Costello syndrome (CSTLO). Also called: FACIOCUTANEOSKELETAL SYNDROME; FCS SYNDROME; HRAS-Related Costello Syndrome. Identifiers: Orphanet 3071, MedGen C0587248, MONDO:0009026, OMIM 218040.

Submission:

Labcorp Genetics (formerly Invitae), Labcorp
Classification: Uncertain significance for Costello syndrome. Last evaluated: 2023-09-17. Review status: criteria provided, single submitter. Criteria: Invitae Variant Classification Sherloc (09022015). Collection method: clinical testing. Allele origin: germline.
Comment: In summary, the available evidence is currently insufficient to determine the role of this variant in disease. Therefore, it has been classified as a Variant of Uncertain Significance. Advanced modeling of protein sequence and biophysical properties (such as structural, functional, and spatial information, amino acid conservation, physicochemical variation, residue mobility, and thermodynamic stability) performed at Invitae indicates that this missense variant is not expected to disrupt HRAS protein function. ClinVar contains an entry for this variant (Variation ID: 665374). This variant has not been reported in the literature in individuals affected with HRAS-related conditions. This variant is not present in population databases (gnomAD no frequency). This sequence change replaces aspartic acid, which is acidic and polar, with alanine, which is neutral and non-polar, at codon 92 of the HRAS protein (p.Asp92Ala).

NM_005343.4(HRAS):c.275A>C (p.Asp92Ala)

Genes: HRAS (HRas proto-oncogene, GTPase; minus strand), LRRC56 (leucine rich repeat containing 56; plus strand). Cytogenetic location: 11p15.5.
Variant type: single nucleotide variant.
Coding change: c.275A>C on transcript NM_005343.4 (MANE Select); coding-DNA position 275, A replaced by C.
Protein change: p.Asp92Ala; replaces aspartic acid 92 with alanine.
Molecular consequence: missense variant. On other transcripts: 5 prime UTR variant (1).
Genome position (GRCh38, 1-based): chr11:533,781, T>G on the plus strand (A>C on the coding strand, the complement: HRAS is on the minus strand). VCF-style: chr11-533781-T-G. GRCh37 (hg19) VCF-style: chr11-533781-T-G.
Other names: c.275A>C, p.Asp92Ala (NM_001130442.3, NM_176795.5); c.-45A>C (NM_001318054.2); short protein forms D92A.
Identifiers: ClinVar variation 665374 (VCV000665374.7), dbSNP rs1589792495, ClinGen allele CA378924344.
Genomic context (GRCh38, chr11:533,781, plus strand): 5'-CCACCTGTGCGGCGTGGGCTCCCGGGCCAGCCTCACGGGGTTCACCTGTACTGGTGGATG[T>G]CCTCAAAAGACTTGGTGTTGTTGATGGCAAACACACACAGGAAGCCCTCCCCGGTGCGCA-3'
Protein context (NP_005334.1, residues 82-102): FAINNTKSFE[Asp92Ala]IHQYREQIKR